The following is an entry in ClinVar:

NM_001127898.4(CLCN5):c.448C>A (p.His150Asn)

Gene: CLCN5 (Cl-/H+ antiporter 5; plus strand). Cytogenetic location: Xp11.23.
Variant type: single nucleotide variant.
Coding change: c.448C>A on transcript NM_001127898.4 (MANE Select); coding-DNA position 448, C replaced by A.
Protein change: p.His150Asn; replaces histidine 150 with asparagine.
Molecular consequence: missense variant.
Genome position (GRCh38, 1-based): chrX:50,075,827, C>A. VCF-style: chrX-50075827-C-A. GRCh37 (hg19) VCF-style: chrX-49840482-C-A.
Other names: c.238C>A (NM_000084.2); c.238C>A, p.His80Asn (NM_000084.5); c.448C>A, p.His150Asn (NM_001127899.4); c.298C>A, p.His100Asn (NM_001282163.2); short protein forms H100N, H80N, H150N.
Identifiers: ClinVar variation 844730 (VCV000844730.14), dbSNP rs782412118, ClinGen allele CA329781873.
Genomic context (GRCh38, chrX:50,075,827, plus strand): 5'-GGCCTTTCCCTCCCTCCCCACAAATCAGGTTCGTTAGCTGGTTTGATAGACATCTCTGCT[C>A]ATTGGATGACAGACTTAAAAGAAGGTATATGCACAGGGGGATTCTGGTTTAACCATGAAC-3'
Protein context (NP_001121370.1, residues 140-160): SLAGLIDISA[His150Asn]WMTDLKEGIC

ClinVar aggregate classification (germline): Uncertain significance. Review status: criteria provided, multiple submitters, no conflicts (2 of 4 stars). 4 submissions from 4 submitters: Uncertain significance (4). Last evaluated 2025-08-05.

Conditions:
Proteinuria, low molecular weight, with hypercalciuria and nephrocalcinosis. Identifiers: Orphanet 1652, Orphanet 93622, MedGen C1839874, MONDO:0010644, OMIM 308990.
Dent disease type 1 (DENT1). Also called: NEPHROLITHIASIS 2; NEPHROLITHIASIS, HYPERCALCIURIC, X-LINKED. Identifiers: Orphanet 1652, Orphanet 93622, MedGen C1848336, MONDO:0010225, OMIM 300009.
X-linked recessive nephrolithiasis with renal failure (XRN). Also called: NEPHROLITHIASIS 1; NEPHROLITHIASIS, X-LINKED RECESSIVE, TYPE 1; UROLITHIASIS, X-LINKED RECESSIVE, TYPE 1. Identifiers: Orphanet 1652, Orphanet 93622, MedGen C0403720, MONDO:0010687, OMIM 310468.
Hypophosphatemic rickets, X-linked recessive (XLHRR). Identifiers: Orphanet 1652, Orphanet 93622, MedGen C1845168, MONDO:0010358, OMIM 300554.
Inborn genetic diseases. Identifiers: MedGen C0950123, MeSH D030342.

Allele frequency attached by ClinVar (database versions not stated): TOPMed 0.00003; gnomAD 0.00004.
gnomAD v4.1: 29 of 1,209,684 alleles (0.0024%); highest among the groups gnomAD compares: Non-Finnish European, 0.003%; no homozygotes.

Submissions (4):

Ambry Genetics
Classification: Uncertain significance for Inborn genetic diseases. Last evaluated: 2025-08-05. Review status: criteria provided, single submitter. Criteria: Ambry Variant Classification Scheme 2023. Collection method: clinical testing. Allele origin: germline.

Labcorp Genetics (formerly Invitae), Labcorp
Classification: Uncertain significance. Last evaluated: 2024-11-15. Review status: criteria provided, single submitter. Criteria: Invitae Variant Classification Sherloc (09022015). Collection method: clinical testing. Allele origin: germline.
Comment: This sequence change replaces histidine, which is basic and polar, with asparagine, which is neutral and polar, at codon 80 of the CLCN5 protein (p.His80Asn). This variant is present in population databases (rs782412118, gnomAD 0.02%). This missense change has been observed in individual(s) with clinical features of primary hyperoxaluria (internal data). ClinVar contains an entry for this variant (Variation ID: 844730). Invitae Evidence Modeling of protein sequence and biophysical properties (such as structural, functional, and spatial information, amino acid conservation, physicochemical variation, residue mobility, and thermodynamic stability) indicates that this missense variant is not expected to disrupt CLCN5 protein function with a negative predictive value of 80%. In summary, the available evidence is currently insufficient to determine the role of this variant in disease. Therefore, it has been classified as a Variant of Uncertain Significance.

Fulgent Genetics
Classification: Uncertain significance for Dent disease type 1; Hypophosphatemic rickets, X-linked recessive; Proteinuria, low molecular weight, with hypercalciuria and nephrocalcinosis; X-linked recessive nephrolithiasis with renal failure. Last evaluated: 2021-12-18. Review status: criteria provided, single submitter. Criteria: ACMG Guidelines, 2015. Collection method: clinical testing. Allele origin: unknown.

Illumina Laboratory Services, Illumina
Classification: Uncertain significance for Dent disease type 1. Last evaluated: 2018-01-12. Review status: criteria provided, single submitter. Criteria: ICSL Variant Classification Criteria 13 December 2019. Collection method: clinical testing. Allele origin: germline.